The following is an entry in ClinVar:

NM_001127222.2(CACNA1A):c.4633C>T (p.Arg1545Ter)

Gene: CACNA1A (calcium voltage-gated channel subunit alpha1 A; minus strand). Cytogenetic location: 19p13.13.
Variant type: single nucleotide variant.
Coding change: c.4633C>T on transcript NM_001127222.2 (MANE Select); coding-DNA position 4633, C replaced by T.
Protein change: p.Arg1545Ter; replaces arginine 1545 with a stop codon.
Molecular consequence: nonsense.
Genome position (GRCh38, 1-based): chr19:13,255,217, G>A on the plus strand (C>T on the coding strand, the complement: CACNA1A is on the minus strand). VCF-style: chr19-13255217-G-A. GRCh37 (hg19) VCF-style: chr19-13366031-G-A.
Other names: c.4645C>T, p.Arg1549Ter (NM_000068.4, NM_023035.3); c.4636C>T, p.Arg1546Ter (NM_001127221.2, NM_001174080.2); short protein forms R1549*, R1546*, R1545*.
Identifiers: ClinVar variation 8507 (VCV000008507.17), dbSNP rs121909324, ClinGen allele CA254479.
Genomic context (GRCh38, chr19:13,255,217, plus strand): 5'-GAGACACCACGAACTGCCACATGCGGTACTGGAAGCTCTGCTTGTTCTGCGGCATGTGTC[G>A]GGTCAGCGGCTTGGCGCTGATGGCGAAATCAATGCAGGCCCTCTGCGGGAGAGAGGCCAG-3'

ClinVar aggregate classification (germline): Pathogenic/Likely pathogenic. Review status: criteria provided, multiple submitters, no conflicts (2 of 4 stars). 10 submissions from 10 submitters: Pathogenic (8); Likely pathogenic (1). 1 of the submissions does not count toward it. Last evaluated 2026-04-27.

Conditions:
Episodic ataxia type 2 (EA2). Also called: CEREBELLAR ATAXIA, PAROXYSMAL, ACETAZOLAMIDE-RESPONSIVE; CEREBELLOPATHY, HEREDITARY PAROXYSMAL; EPISODIC ATAXIA, NYSTAGMUS-ASSOCIATED; ACETAZOLAMIDE-RESPONSIVE HEREDITARY PAROXYSMAL CEREBELLAR ATAXIA; ATAXIA, EPISODIC, WITH NYSTAGMUS; ATAXIA, FAMILIAL PAROXYSMAL. Identifiers: Orphanet 97, MedGen C1720416, MONDO:0007163, OMIM 108500.
Developmental and epileptic encephalopathy, 42 (DEE42A). Also called: DEVELOPMENTAL AND EPILEPTIC ENCEPHALOPATHY 42A; EPILEPTIC ENCEPHALOPATHY, EARLY INFANTILE, 42A; Epileptic encephalopathy, early infantile, 42. Identifiers: MedGen C4310716, MONDO:0014917, OMIM 617106.
Spinocerebellar ataxia type 6 (SCA6). Identifiers: Orphanet 98758, MedGen C0752124, MONDO:0008457, OMIM 183086.
Migraine, familial hemiplegic, 1. Also called: MIGRAINE, FAMILIAL HEMIPLEGIC 1, WITH PROGRESSIVE CEREBELLAR ATAXIA. Identifiers: Orphanet 569, MedGen C1832884, MONDO:0020756, OMIM 141500, MONDO:0007714.
Epilepsy. Also called: Seizure disorder. Identifiers: MedGen C0014544, MeSH D004827, MONDO:0005027.
Inborn genetic diseases. Identifiers: MedGen C0950123, MeSH D030342.

Submissions (10):

Cytogénomique, Hospices Civils de Lyon
Classification: Pathogenic for Epilepsy. Last evaluated: 2026-04-27. Review status: criteria provided, single submitter. Criteria: ACMG Guidelines, 2015. Collection method: clinical testing. Allele origin: germline. Affected: yes.

Labcorp Genetics (formerly Invitae), Labcorp
Classification: Pathogenic for Developmental and epileptic encephalopathy, 42; Episodic ataxia type 2. Last evaluated: 2026-01-21. Review status: criteria provided, single submitter. Criteria: Invitae Variant Classification Sherloc (09022015). Collection method: clinical testing. Allele origin: germline.
Comment: This sequence change creates a premature translational stop signal (p.Arg1546*) in the CACNA1A gene. It is expected to result in an absent or disrupted protein product. Loss-of-function variants in CACNA1A are known to be pathogenic (PMID: 10371528, 19486177, 25735478, 27250579). This variant is not present in population databases (gnomAD no frequency). This premature translational stop signal has been observed in individual(s) with CACNA1A-related conditions (PMID: 29062094, 29883219, 31302675). This variant is also known as p.Arg1549*. ClinVar contains an entry for this variant (Variation ID: 8507). Algorithms developed to predict the effect of variants on gene product structure and function are not available or were not evaluated for this variant. Experimental studies have shown that this premature translational stop signal affects CACNA1A function (PMID: 11723274). For these reasons, this variant has been classified as Pathogenic.

GeneDx
Classification: Pathogenic. Last evaluated: 2022-12-09. Review status: criteria provided, single submitter. Criteria: GeneDx Variant Classification Process June 2021. Collection method: clinical testing. Allele origin: germline. Affected: yes.
Comment: Described as R1549X and R1547X using alternate nomenclature, published functional studies demonstrate markedly decreased current densities compared to wild type (Jen et al., 2001; Jeng et al., 2006); Nonsense variant predicted to result in protein truncation or nonsense mediated decay in a gene for which loss of function is a known mechanism of disease; Not observed at significant frequency in large population cohorts (gnomAD); This variant is associated with the following publications: (PMID: 10408533, 29062094, 29482223, 16306128, 25525159, 29883219, 11723274)

Athena Diagnostics
Classification: Pathogenic. Last evaluated: 2022-04-08. Review status: criteria provided, single submitter. Criteria: Athena Diagnostics Criteria. Collection method: clinical testing. Allele origin: unknown.
Comment: This variant segregates with episodic ataxia in at least one family. This variant was not reported in large, multi-ethnic, general populations. In some published literature, this variant is referred to as p.R1549X. Assessment of experimental evidence suggests this variant results in abnormal protein function. This variant diminished calcium channel activity (PMID: 11723274, 16306128).

Victorian Clinical Genetics Services, Murdoch Childrens Research Institute
Classification: Pathogenic for Episodic ataxia type 2. Last evaluated: 2022-02-02. Review status: criteria provided, single submitter. Criteria: ACMG Guidelines, 2015. Collection method: clinical testing. Allele origin: germline. Inheritance: Autosomal dominant inheritance.
Comment: Based on the classification scheme VCGS_Germline_v1.3.4, this variant is classified as Pathogenic. Following criteria are met: 0103 - Loss of function and gain of function are known mechanisms of disease in this gene and are associated with CACNA1A-related disease. Episodic ataxia, type 2 (MIM#108500) is caused by variants with a loss of function mechanism (PMID: 28566750). (I) 0107 - This gene is associated with autosomal dominant disease. (I) 0112 - The condition associated with this gene has incomplete penetrance. Reduced penetrance has been reported for patients with episodic ataxia type 2 (OMIM). (I) 0115 - Variants in this gene are known to have variable expressivity. Two families with episodic ataxia, intellectual disability and/or epilepsy have been reported with intrafamilial variability (PMID: 32910250, PMID: 30142438). (I) 0201 - Variant is predicted to cause nonsense-mediated decay (NMD) and loss of protein (premature termination codon is located at least 54 nucleotides upstream of the final exon-exon junction). (SP) 0251 - This variant is heterozygous. (I) 0301 - Variant is absent from gnomAD (both v2 and v3). (SP) 0701 - Other variants predicted to result in NMD comparable to the one identified in this case have very strong previous evidence for pathogenicity (DECIPHER, ClinVar). (SP) 0801 - This variant has strong previous evidence of pathogenicity in unrelated individuals. It has been previously reported in patients with episodic ataxia type 2 (ClinVar, PMID: 10408533, PMID: 29883219). (SP) 1102 - Strong phenotype match for this individual. (SP) 1208 - Inheritance information for this variant is not currently available in this individual. (I) Legend: (SP) - Supporting pathogenic, (I) - Information, (SB) - Supporting benign

Fulgent Genetics
Classification: Pathogenic for Episodic ataxia type 2; Migraine, familial hemiplegic, 1; Spinocerebellar ataxia type 6; Developmental and epileptic encephalopathy, 42. Last evaluated: 2021-09-05. Review status: criteria provided, single submitter. Criteria: ACMG Guidelines, 2015. Collection method: clinical testing. Allele origin: unknown.

HudsonAlpha Institute for Biotechnology
Classification: Pathogenic for Episodic ataxia type 2. Last evaluated: 2019-10-25. Review status: criteria provided, single submitter. Criteria: ACMG Guidelines, 2015. Collection method: research. Allele origin: paternal. Affected: yes. Observed: 1 variant allele. Study: CSER-SouthSeq.
Comment: ACMG codes: PVS1, PS3, PM2, PP5

SIB Swiss Institute of Bioinformatics
Classification: Likely pathogenic for Episodic ataxia type 2. Last evaluated: 2018-10-15. Review status: criteria provided, single submitter. Criteria: ACMG Guidelines, 2015. Collection method: curation. Allele origin: unknown.
Comment: This variant is interpreted as Likely Pathogenic, for Episodic ataxia 2, autosomal dominant. The following ACMG Tag(s) were applied: PM2 => Absent from controls (or at extremely low frequency if recessive) in Exome Sequencing Project, 1000 Genomes Project, or Exome Aggregation Consortium. PVS1-Strong => PVS1 downgraded in strength to Strong. PP1-Moderate => PP1 upgraded in strength to Moderate (PubMed 10408533).

Ambry Genetics
Classification: Pathogenic for Inborn genetic diseases. Last evaluated: 2016-10-11. Review status: criteria provided, single submitter. Criteria: Ambry exome assertion method (8-5-2015). Collection method: clinical testing. Allele origin: germline. Affected: yes. Observed: 2 variant alleles.

OMIM
Classification: Pathogenic for EPISODIC ATAXIA, TYPE 2. Last evaluated: 1999-07-13. Review status: no assertion criteria provided. Collection method: literature only. Allele origin: germline. Not counted in ClinVar's aggregate classification.

Literature cited by the submitters: PubMed 10371528 (cited by Labcorp Genetics (formerly Invitae), Labcorp and Athena Diagnostics); PubMed 19486177 (cited by Labcorp Genetics (formerly Invitae), Labcorp); PubMed 25735478 (cited by Labcorp Genetics (formerly Invitae), Labcorp and Victorian Clinical Genetics Services, Murdoch Childrens Research Institute); PubMed 27250579 (cited by Labcorp Genetics (formerly Invitae), Labcorp); PubMed 29062094 (cited by Labcorp Genetics (formerly Invitae), Labcorp); PubMed 29883219 (cited by Labcorp Genetics (formerly Invitae), Labcorp and Victorian Clinical Genetics Services, Murdoch Childrens Research Institute); PubMed 31302675 (cited by Labcorp Genetics (formerly Invitae), Labcorp); PubMed 11723274 (cited by Labcorp Genetics (formerly Invitae), Labcorp and Athena Diagnostics); PubMed 16306128 (cited by Athena Diagnostics); PubMed 14718690 (cited by Athena Diagnostics); PubMed 14694040 (cited by Athena Diagnostics); PubMed 14592859 (cited by Athena Diagnostics); PubMed 25525159 (cited by Athena Diagnostics); PubMed 10408533 (cited by 5 submitters); PubMed 28566750 (cited by Victorian Clinical Genetics Services, Murdoch Childrens Research Institute); PubMed 32910250 (cited by Victorian Clinical Genetics Services, Murdoch Childrens Research Institute); PubMed 30142438 (cited by Victorian Clinical Genetics Services, Murdoch Childrens Research Institute).